The following is an entry in ClinVar:

ClinVar aggregate classification (germline): Pathogenic. Review status: criteria provided, multiple submitters, no conflicts (2 of 4 stars). 3 submissions from 3 submitters: Pathogenic (3). Last evaluated 2025-08-03.

Conditions:
BTK-related disorder. Also called: BTK-related condition.
X-linked agammaglobulinemia with growth hormone deficiency (IGHD3). Also called: ISOLATED GROWTH HORMONE DEFICIENCY, TYPE III, WITH AGAMMAGLOBULINEMIA; AGAMMAGLOBULINEMIA AND ISOLATED GROWTH HORMONE DEFICIENCY, X-LINKED; FLEISHER SYNDROME; HYPOGAMMAGLOBULINEMIA AND ISOLATED GROWTH HORMONE DEFICIENCY, X-LINKED; IGHD III; Isolated growth hormone deficiency type 3. Identifiers: Orphanet 231692, Orphanet 631, MedGen C0472813, MONDO:0010615, OMIM 307200.

Allele frequency attached by ClinVar (database versions not stated): gnomAD exomes below 0.00001.
gnomAD v4.1: 1 of 1,205,336 alleles (0.000083%); highest among the groups gnomAD compares: Non-Finnish European, 0.00011%; no homozygotes.

Submissions (3):

Labcorp Genetics (formerly Invitae), Labcorp
Classification: Pathogenic for X-linked agammaglobulinemia with growth hormone deficiency. Last evaluated: 2025-08-03. Review status: criteria provided, single submitter. Criteria: Invitae Variant Classification Sherloc (09022015). Collection method: clinical testing. Allele origin: germline.
Comment: This sequence change replaces arginine, which is basic and polar, with histidine, which is basic and polar, at codon 641 of the BTK protein (p.Arg641His). This variant is not present in population databases (gnomAD no frequency). This missense change has been observed in individuals with X-linked agammaglobulinemia (PMID: 7633420, 17765309). ClinVar contains an entry for this variant (Variation ID: 988456). Invitae Evidence Modeling of protein sequence and biophysical properties (such as structural, functional, and spatial information, amino acid conservation, physicochemical variation, residue mobility, and thermodynamic stability) indicates that this missense variant is expected to disrupt BTK protein function with a positive predictive value of 95%. For these reasons, this variant has been classified as Pathogenic.

Blueprint Genetics
Classification: Pathogenic for BTK-related disorders. Last evaluated: 2023-06-15. Review status: criteria provided, single submitter. Criteria: ACMG Guidelines, 2015. Collection method: clinical testing. Allele origin: germline. Affected: yes. Observed: 2 variant alleles.

Clinical Genetics and Genomics, Karolinska University Hospital
Classification: Pathogenic. Last evaluated: 2014-11-05. Review status: criteria provided, single submitter. Criteria: ACMG Guidelines, 2015. Collection method: clinical testing. Allele origin: germline. Affected: yes. Observed: 1 variant allele.

Literature cited by the submitters: PubMed 7633420 (cited by Labcorp Genetics (formerly Invitae), Labcorp); PubMed 17765309 (cited by Labcorp Genetics (formerly Invitae), Labcorp).

NM_000061.3(BTK):c.1922G>A (p.Arg641His)

Gene: BTK (Bruton tyrosine kinase; minus strand). Cytogenetic location: Xq22.1.
Variant type: single nucleotide variant.
Coding change: c.1922G>A on transcript NM_000061.3 (MANE Select); coding-DNA position 1922, G replaced by A.
Protein change: p.Arg641His; replaces arginine 641 with histidine.
Molecular consequence: missense variant.
Genome position (GRCh38, 1-based): chrX:101,349,943, C>T on the plus strand (G>A on the coding strand, the complement: BTK is on the minus strand). VCF-style: chrX-101349943-C-T. GRCh37 (hg19) VCF-style: chrX-100604931-C-T.
Other names: c.2024G>A, p.Arg675His (NM_001287344.2); c.1394G>A, p.Arg465His (NM_001287345.2); short protein forms R465H, R641H, R675H.
Identifiers: ClinVar variation 988456 (VCV000988456.11), dbSNP rs1926220192, ClinGen allele CA413917735.